The following is an entry in ClinVar:

ClinVar aggregate classification (germline): Pathogenic (0 of 4 stars; one submission).

Conditions:
Pyruvate dehydrogenase E1-alpha deficiency (PDHAD). Also called: ATAXIA, INTERMITTENT, WITH PYRUVATE DEHYDROGENASE DEFICIENCY; ATAXIA WITH LACTIC ACIDOSIS I; ATAXIA, INTERMITTENT, WITH ABNORMAL PYRUVATE METABOLISM; Ataxia, intermittent, with pyruvate dehydrogenase, or decarboxylase, deficiency. Identifiers: Orphanet 79243, MedGen C1839413, MONDO:0010717, OMIM 312170.

Submission:

PDHA1 Study Group, University Children’s Hospital, Paracelsus Medical University
Classification: Pathogenic for Pyruvate dehydrogenase E1-alpha deficiency. Last evaluated: 2024-10-15. Review status: no assertion criteria provided. Collection method: research. Allele origin: germline. Affected: yes. Observed: 1 variant allele.
Comment: The NM_000284.3:c.932_935del (p.Arg311IlefsTer14) change is a frameshift variant in PDHA1 gene. This variant is predicted to result in nonsense-mediated decay (NMD). Last literature search: July 12, 2024. This variant is absent or extremely rare in population-based cohorts in the Genome Aggregation Database (gnomAD). Individuals harboring this variant presented with clinical features compatible with PDHA1-related PDHc deficiency. In summary, this variant meets criteria to be classified as pathogenic (P) for PDHA1-related PDHc deficiency based on the ACMG/AMP criteria applied: PVS1, PS3, PM2, PM7 (last assessment October 15, 2024).

Literature cited by the submitters: DOI 10.1093/brain/awaf430.

NM_000284.4(PDHA1):c.932_935del (p.Arg311fs)

Gene: PDHA1 (pyruvate dehydrogenase E1 subunit alpha 1; plus strand). Cytogenetic location: Xp22.12.
Variant type: Deletion.
Coding change: c.932_935del on transcript NM_000284.4 (MANE Select); coding-DNA positions 932 to 935, 4 bases deleted (GAAG; older notation c.932_935delGAAG).
Protein change: p.Arg311fs; shifts the reading frame from arginine 311.
Molecular consequence: frameshift variant.
Genome position (GRCh38, 1-based): chrX:19,358,948-19,358,951, GAAG deleted. VCF-style (leftmost placement, unchanged base first): chrX-19358947-AGAAG-A. GRCh37 (hg19) VCF-style: chrX-19377065-AGAAG-A.
Other names: c.1046_1049del, p.Arg349fs (NM_001173454.2); c.953_956del, p.Arg318fs (NM_001173455.2); c.839_842del, p.Arg280fs (NM_001173456.2); short protein forms R280fs, R311fs, R318fs, R349fs.
Identifiers: ClinVar variation 4070403 (VCV004070403.1).
Genomic context (GRCh38, chrX:19,358,947, plus strand): 5'-GATCGATTACTACTTTTCCCTCCCCATAGTTACCGTACACGAGAAGAAATTCAGGAAGTA[AGAAG>A]TAAGAGTGACCCTATTATGCTTCTCAAGGACAGGATGGTGAACAGCAATCTTGCCAGTGT-3'